The following is an entry in ClinVar:

NM_000304.4(PMP22):c.392C>A (p.Ser131Tyr)

Gene: PMP22 (peripheral myelin protein 22; minus strand). Cytogenetic location: 17p12.
Variant type: single nucleotide variant.
Coding change: c.392C>A on transcript NM_000304.4 (MANE Select); coding-DNA position 392, C replaced by A.
Protein change: p.Ser131Tyr; replaces serine 131 with tyrosine.
Molecular consequence: missense variant. On other transcripts: non-coding transcript variant (2).
Genome position (GRCh38, 1-based): chr17:15,231,008, G>T on the plus strand (C>A on the coding strand, the complement: PMP22 is on the minus strand). VCF-style: chr17-15231008-G-T. GRCh37 (hg19) VCF-style: chr17-15134325-G-T.
Other names: c.392C>A, p.Ser131Tyr (NM_001281455.2, NM_001281456.2, NM_153321.3 and 1 more transcripts); short protein forms S131Y.
Identifiers: ClinVar variation 1306580 (VCV001306580.2), dbSNP rs1597597627, ClinGen allele CA398739651.

ClinVar aggregate classification (germline): Uncertain significance (1 of 4 stars; one submission).

Submission:

GeneDx
Classification: Uncertain significance. Last evaluated: 2019-06-14. Review status: criteria provided, single submitter. Criteria: GeneDx Variant Classification Process June 2021. Collection method: clinical testing. Allele origin: germline. Affected: yes.
Comment: Not observed in large population cohorts (Lek et al., 2016); In silico analysis, which includes protein predictors and evolutionary conservation, supports that this variant does not alter protein structure/function; Has not been previously published as pathogenic or benign to our knowledge